The following is an entry in ClinVar:

NM_001079802.2(FKTN):c.1129A>G (p.Met377Val)

Gene: FKTN (fukutin; plus strand). Cytogenetic location: 9q31.2.
Variant type: single nucleotide variant.
Coding change: c.1129A>G on transcript NM_001079802.2 (MANE Select); coding-DNA position 1129, A replaced by G.
Protein change: p.Met377Val; replaces methionine 377 with valine.
Molecular consequence: missense variant. On other transcripts: non-coding transcript variant (2).
Genome position (GRCh38, 1-based): chr9:105,620,018, A>G. VCF-style: chr9-105620018-A-G. GRCh37 (hg19) VCF-style: chr9-108382299-A-G.
Other names: c.1129A>G, p.Met377Val (NM_001198963.2, NM_001351496.2, NM_001351498.2 and 1 more transcripts); c.1060A>G, p.Met354Val (NM_001351497.2); c.733A>G, p.Met245Val (NM_001351499.2, NM_001351500.2, NM_001351501.2 and 1 more transcripts); short protein forms M377V, M245V, M354V.
Identifiers: ClinVar variation 528818 (VCV000528818.8), dbSNP rs1200757732, ClinGen allele CA374377886.

ClinVar aggregate classification (germline): Uncertain significance (1 of 4 stars; one submission).

Conditions:
Walker-Warburg congenital muscular dystrophy. Also called: Muscular dystrophy-dystroglycanopathy, type A; Walker-Warburg syndrome. Identifiers: Orphanet 899, MedGen C0265221, MONDO:0000171.

Allele frequency attached by ClinVar (database versions not stated): TOPMed 0.00001.

Submission:

Labcorp Genetics (formerly Invitae), Labcorp
Classification: Uncertain significance for Walker-Warburg congenital muscular dystrophy. Last evaluated: 2017-10-05. Review status: criteria provided, single submitter. Criteria: Invitae Variant Classification Sherloc (09022015). Collection method: clinical testing. Allele origin: germline.
Comment: In summary, the available evidence is currently insufficient to determine the role of this variant in disease. Therefore, it has been classified as a Variant of Uncertain Significance. Algorithms developed to predict the effect of sequence changes on RNA splicing suggest that this variant may create or strengthen a splice site, but this prediction has not been confirmed by published transcriptional studies. Algorithms developed to predict the effect of missense changes on protein structure and function output the following: SIFT: "Tolerated"; PolyPhen-2: "Benign"; Align-GVGD: "Class C0". The valine amino acid residue is found in multiple mammalian species, suggesting that this missense change does not adversely affect protein function. These predictions have not been confirmed by published functional studies and their clinical significance is uncertain. This variant has not been reported in the literature in individuals with FKTN-related disease. This variant is not present in population databases (ExAC no frequency). This sequence change replaces methionine with valine at codon 377 of the FKTN protein (p.Met377Val). The methionine residue is moderately conserved and there is a small physicochemical difference between methionine and valine.